The following is an entry in ClinVar:

ClinVar aggregate classification (germline): Uncertain significance. Review status: criteria provided, multiple submitters, no conflicts (2 of 4 stars). 2 submissions from 2 submitters: Uncertain significance (2). Last evaluated 2025-07-08.

Conditions:
Cardiovascular phenotype. Identifiers: MedGen CN230736.

gnomAD v4.1: 14 of 1,549,450 alleles (0.0009%); highest among the groups gnomAD compares: South Asian, 0.014%; no homozygotes.

Submissions (2):

Labcorp Genetics (formerly Invitae), Labcorp
Classification: Uncertain significance. Last evaluated: 2025-07-08. Review status: criteria provided, single submitter. Criteria: Invitae Variant Classification Sherloc (09022015). Collection method: clinical testing. Allele origin: germline.
Comment: This sequence change replaces lysine, which is basic and polar, with arginine, which is basic and polar, at codon 1172 of the ZNF469 protein (p.Lys1172Arg). This variant is present in population databases (no rsID available, gnomAD 0.004%). This variant has not been reported in the literature in individuals affected with ZNF469-related conditions. ClinVar contains an entry for this variant (Variation ID: 1984152). An algorithm developed to predict the effect of missense changes on protein structure and function (PolyPhen-2) suggests that this variant is likely to be tolerated. In summary, the available evidence is currently insufficient to determine the role of this variant in disease. Therefore, it has been classified as a Variant of Uncertain Significance.

Ambry Genetics
Classification: Uncertain significance for Cardiovascular phenotype. Last evaluated: 2024-09-01. Review status: criteria provided, single submitter. Criteria: Ambry Variant Classification Scheme 2023. Collection method: clinical testing. Allele origin: germline.

NM_001367624.2(ZNF469):c.3599A>G (p.Lys1200Arg)

Gene: ZNF469 (zinc finger protein 469; plus strand). Cytogenetic location: 16q24.2.
Variant type: single nucleotide variant.
Coding change: c.3599A>G on transcript NM_001367624.2 (MANE Select); coding-DNA position 3599, A replaced by G.
Protein change: p.Lys1200Arg; replaces lysine 1200 with arginine.
Molecular consequence: missense variant.
Genome position (GRCh38, 1-based): chr16:88,431,069, A>G. VCF-style: chr16-88431069-A-G. GRCh37 (hg19) VCF-style: chr16-88497477-A-G.
Other names: NM_001127464.1:c.3515A>G; short protein forms K1200R.
Identifiers: ClinVar variation 1984152 (VCV001984152.3), dbSNP rs1315393675, ClinGen allele CA397085332.